The following is an entry in ClinVar:

ClinVar aggregate classification (germline): Uncertain significance. Review status: criteria provided, multiple submitters, no conflicts (2 of 4 stars). 2 submissions from 2 submitters: Uncertain significance (2). Last evaluated 2025-03-31.

Conditions:
TRAP1-related disorder. Also called: TRAP1-related condition.

Allele frequency attached by ClinVar (database versions not stated): TOPMed 0.00001; gnomAD 0.00002; gnomAD exomes 0.00002; ExAC 0.00003.
gnomAD v4.1: 38 of 1,614,130 alleles (0.0024%); highest among the groups gnomAD compares: South Asian, 0.031%; no homozygotes.

Submissions (2):

Labcorp Genetics (formerly Invitae), Labcorp
Classification: Uncertain significance. Last evaluated: 2025-03-31. Review status: criteria provided, single submitter. Criteria: Invitae Variant Classification Sherloc (09022015). Collection method: clinical testing. Allele origin: germline.
Comment: This sequence change replaces serine, which is neutral and polar, with cysteine, which is neutral and slightly polar, at codon 118 of the TRAP1 protein (p.Ser118Cys). This variant is present in population databases (rs769430278, gnomAD 0.03%). This variant has not been reported in the literature in individuals affected with TRAP1-related conditions. ClinVar contains an entry for this variant (Variation ID: 2628702). Invitae Evidence Modeling of protein sequence and biophysical properties (such as structural, functional, and spatial information, amino acid conservation, physicochemical variation, residue mobility, and thermodynamic stability) indicates that this missense variant is expected to disrupt TRAP1 protein function with a positive predictive value of 80%. In summary, the available evidence is currently insufficient to determine the role of this variant in disease. Therefore, it has been classified as a Variant of Uncertain Significance.

PreventionGenetics, part of Exact Sciences
Classification: Uncertain significance for TRAP1-related condition. Last evaluated: 2023-02-16. Review status: criteria provided, single submitter. Criteria: ACMG Guidelines, 2015. Collection method: clinical testing. Allele origin: germline.
Comment: The TRAP1 c.353C>G variant is predicted to result in the amino acid substitution p.Ser118Cys. To our knowledge, this variant has not been reported in the literature. This variant is reported in 0.029% of alleles in individuals of South Asian descent in gnomAD. At this time, the clinical significance of this variant is uncertain due to the absence of conclusive functional and genetic evidence.

NM_016292.3(TRAP1):c.353C>G (p.Ser118Cys)

Gene: TRAP1 (TNF receptor associated protein 1; minus strand). Cytogenetic location: 16p13.3.
Variant type: single nucleotide variant.
Coding change: c.353C>G on transcript NM_016292.3 (MANE Select); coding-DNA position 353, C replaced by G.
Protein change: p.Ser118Cys; replaces serine 118 with cysteine.
Molecular consequence: missense variant.
Genome position (GRCh38, 1-based): chr16:3,686,114, G>C on the plus strand (C>G on the coding strand, the complement: TRAP1 is on the minus strand). VCF-style: chr16-3686114-G-C. GRCh37 (hg19) VCF-style: chr16-3736115-G-C.
Other names: c.194C>G, p.Ser65Cys (NM_001272049.2); short protein forms S118C, S65C.
Identifiers: ClinVar variation 2628702 (VCV002628702.2), dbSNP rs769430278, ClinGen allele CA7868711.